The following is an entry in ClinVar:

NM_020975.6(RET):c.1288T>C (p.Cys430Arg)

Gene: RET (ret proto-oncogene; plus strand). Cytogenetic location: 10q11.21.
Variant type: single nucleotide variant.
Coding change: c.1288T>C on transcript NM_020975.6 (MANE Select); coding-DNA position 1288, T replaced by C.
Protein change: p.Cys430Arg; replaces cysteine 430 with arginine.
Molecular consequence: missense variant. On other transcripts: intron variant (15).
Genome position (GRCh38, 1-based): chr10:43,111,231, T>C. VCF-style: chr10-43111231-T-C. GRCh37 (hg19) VCF-style: chr10-43606679-T-C.
Other names: c.526T>C, p.Cys176Arg (NM_001355216.2); c.1288T>C, p.Cys430Arg (NM_001406743.1, NM_001406744.1, NM_001406759.1 and 4 more transcripts); c.1159T>C, p.Cys387Arg (NM_001406761.1, NM_001406762.1, NM_001406764.1 and 1 more transcripts); c.1000T>C, p.Cys334Arg (NM_001406766.1, NM_001406767.1, NM_001406770.1); c.892T>C, p.Cys298Arg (NM_001406769.1, NM_001406772.1); c.850T>C, p.Cys284Arg (NM_001406771.1, NM_001406773.1); c.763T>C, p.Cys255Arg (NM_001406774.1); c.562T>C, p.Cys188Arg (NM_001406775.1, NM_001406776.1, NM_001406777.1 and 1 more transcripts); and 5 more; short protein forms C100R, C255R, C284R, C298R, C430R, C176R, C188R, C334R.
Identifiers: ClinVar variation 3432257 (VCV003432257.2).

ClinVar aggregate classification (germline): Conflicting classifications of pathogenicity. Review status: criteria provided, conflicting classifications (1 of 4 stars). 2 submissions from 2 submitters: Likely pathogenic (1); Uncertain significance (1). Last evaluated 2024-09-09.

Conditions:
Hereditary cancer-predisposing syndrome. Also called: Tumor predisposition; Neoplastic Syndromes, Hereditary; Hereditary Cancer Syndrome; Hereditary neoplastic syndrome. Identifiers: Orphanet 140162, MedGen C0027672, MeSH D009386, MONDO:0015356.
RET-related disorder. Also called: RET-related condition; RET-related disease; RET-related disorders.

Submissions (2):

Ambry Genetics
Classification: Uncertain significance for Hereditary cancer-predisposing syndrome. Last evaluated: 2024-09-09. Review status: criteria provided, single submitter. Criteria: Ambry Variant Classification Scheme 2023. Collection method: clinical testing. Allele origin: germline.
Comment: The p.C430R variant (also known as c.1288T>C), located in coding exon 7 of the RET gene, results from a T to C substitution at nucleotide position 1288. The cysteine at codon 430 is replaced by arginine, an amino acid with highly dissimilar properties. This amino acid position is conserved. In addition, this alteration is predicted to be deleterious by in silico analysis. Based on the available evidence, the clinical significance of this variant remains unclear.

Blueprint Genetics
Classification: Likely pathogenic for RET-related disorders. Last evaluated: 2018-09-07. Review status: criteria provided, single submitter. Criteria: ACMG Guidelines, 2015. Collection method: clinical testing. Allele origin: germline. Affected: yes. Observed: 1 variant allele.